The following is an entry in ClinVar:

NM_000136.3(FANCC):c.487_490del (p.Glu163fs)

Gene: FANCC (FA complementation group C; minus strand). Cytogenetic location: 9q22.32.
Variant type: Microsatellite.
Coding change: c.487_490del on transcript NM_000136.3 (MANE Select); coding-DNA positions 487 to 490, 4 bases deleted (GAGA; older notation c.487_490delGAGA).
Protein change: p.Glu163fs; shifts the reading frame from glutamic acid 163.
Molecular consequence: frameshift variant.
Genome position (GRCh38, 1-based): chr9:95,171,110-95,171,113, TCTC deleted on the plus strand (GAGA on the coding strand, the reverse complement: FANCC is on the minus strand); deleting any 4 consecutive bases within chr9:95,171,110-95,171,116 gives the same sequence; the c. name uses the placement nearest the transcript's 3' end. VCF-style (leftmost placement, unchanged base first): chr9-95171109-TTCTC-T. GRCh37 (hg19) VCF-style: chr9-97933391-TTCTC-T.
Other names: c.487_490del, p.Glu163fs (NM_001243743.2, NM_001243744.2); c.487_490delGAGA (NM_000136.3); c.487_490del (NM_000136.2); short protein forms E163fs.
Identifiers: ClinVar variation 182465 (VCV000182465.33), dbSNP rs730881708, ClinGen allele CA299130.
Genomic context (GRCh38, chr9:95,171,109, plus strand): 5'-GAGAAGAAGGATGTTTAGTTTAACACCTACCGCCTTTGAGTGTTAAATCCATTAAGATGA[TTCTC>T]TCTGAGTTCAGACGCTAATGATAAAACCATCTGTAAAACAAAATCAGTTGCAGGTTAACT-3'

ClinVar aggregate classification (germline): Pathogenic/Likely pathogenic. Review status: criteria provided, multiple submitters, no conflicts (2 of 4 stars). 13 submissions from 13 submitters: Pathogenic (6); Likely pathogenic (5). 2 of the submissions do not count toward it. Last evaluated 2026-01-27.

Conditions:
Hereditary cancer-predisposing syndrome. Also called: Hereditary Cancer Syndrome; Neoplastic Syndromes, Hereditary; Tumor predisposition; Hereditary neoplastic syndrome. Identifiers: Orphanet 140162, MedGen C0027672, MeSH D009386, MONDO:0015356.
Fanconi anemia (FA). Also called: Fanconi's anemia. Identifiers: Orphanet 84, MedGen C0015625, MeSH D005199, MONDO:0019391.
Fanconi anemia complementation group C (FANCC). Also called: FANCONI PANCYTOPENIA, TYPE 3; FACC; FANCC-Related Fanconi Anemia; Fanconi anemia, group C. Identifiers: Orphanet 84, MedGen C3468041, MONDO:0009213, OMIM 227645.

Submissions (13):

Labcorp Genetics (formerly Invitae), Labcorp
Classification: Pathogenic for Fanconi anemia. Last evaluated: 2026-01-27. Review status: criteria provided, single submitter. Criteria: Invitae Variant Classification Sherloc (09022015). Collection method: clinical testing. Allele origin: germline.
Comment: This sequence change creates a premature translational stop signal (p.Glu163Ilefs*30) in the FANCC gene. It is expected to result in an absent or disrupted protein product. Loss-of-function variants in FANCC are known to be pathogenic (PMID: 17924555). This variant is present in population databases (rs730881708, gnomAD 0.01%). This premature translational stop signal has been observed in individual(s) with ovarian cancer (PMID: 26681312). ClinVar contains an entry for this variant (Variation ID: 182465). For these reasons, this variant has been classified as Pathogenic.

Otogenetics
Classification: Pathogenic for Fanconi anemia complementation group C. Last evaluated: 2025-12-22. Review status: criteria provided, single submitter. Criteria: ACMG Guidelines, 2015. Collection method: clinical testing. Allele origin: germline.
Comment: PVS1: Frameshift indel introduces premature stop codon in gene with loss of function as mechanism of disease, predicted to undergo NMD; PM2: Maximum gnomAD MAF of 0.0145% in American (AMR) subpopulation (<0.05% threshold); PM3_Supporting: Variant reported with another pathogenic variant on FANCC in one individual lost to follow up for Fanconi anemia risk, affected with pilocytic astrocytoma (PMID: 34308366)

Natera, Inc.
Classification: Likely pathogenic for Fanconi anemia. Last evaluated: 2025-07-14. Review status: criteria provided, single submitter. Criteria: Natera Variant Classification Schema (03/2026). Collection method: clinical testing. Allele origin: germline.
Comment: The c.487_490delGAGA variant in FANCC is a frameshift variant predicted to shift the reading frame beginning at codon 163 and leads to a stop codon 30 codons downstream. This variant is expected to result in nonsense mediated decay, truncation, or a dysfunctional protein product. This variant is rare in the general population with a frequency below the threshold expected for the associated phenotype(s). Given the available evidence, this variant is classified as Likely Pathogenic.

GeneDx
Classification: Likely pathogenic. Last evaluated: 2024-10-22. Review status: criteria provided, single submitter. Criteria: GeneDx Variant Classification Process June 2021. Collection method: clinical testing. Allele origin: germline. Affected: yes.
Comment: Frameshift variant predicted to result in protein truncation or nonsense mediated decay in a gene for which loss-of-function is a known mechanism of disease; Not observed at significant frequency in large population cohorts (gnomAD); This variant is associated with the following publications: (PMID: 29922827, 30322717, 32546565, 34308366, 26681312)

Fulgent Genetics
Classification: Pathogenic for Fanconi anemia complementation group C. Last evaluated: 2024-04-12. Review status: criteria provided, single submitter. Criteria: ACMG Guidelines, 2015. Collection method: clinical testing. Allele origin: germline.

Baylor Genetics
Classification: Pathogenic for Fanconi anemia complementation group C. Last evaluated: 2024-03-09. Review status: criteria provided, single submitter. Criteria: ACMG Guidelines, 2015. Collection method: clinical testing. Allele origin: unknown.

Women's Health and Genetics/Laboratory Corporation of America, LabCorp
Classification: Likely pathogenic for Fanconi anemia complementation group C. Last evaluated: 2022-09-06. Review status: criteria provided, single submitter. Criteria: LabCorp Variant Classification Summary - May 2015. Collection method: clinical testing. Allele origin: germline.
Comment: Variant summary: FANCC c.487_490delGAGA (p.Glu163IlefsX30) results in a premature termination codon, predicted to cause a truncation of the encoded protein or absence of the protein due to nonsense mediated decay, which are commonly known mechanisms for disease. Truncations downstream of this position have been classified as pathogenic by our laboratory. The variant allele was found at a frequency of 2.4e-05 in 251214 control chromosomes. c.487_490delGAGA has been reported in the literature in an individual affected with ovarian cancer (example, Susswein_2015). To our knowledge, no experimental evidence demonstrating an impact on protein function has been reported. Eight clinical diagnostic laboratories have submitted clinical-significance assessments for this variant to ClinVar after 2014 without evidence for independent evaluation. All laboratories classified the variant as pathogenic/likely pathogenic. Based on the evidence outlined above, the variant was classified as likely pathogenic.

Ambry Genetics
Classification: Pathogenic for Hereditary cancer-predisposing syndrome. Last evaluated: 2022-05-03. Review status: criteria provided, single submitter. Criteria: Ambry Variant Classification Scheme 2023. Collection method: clinical testing. Allele origin: germline.
Comment: The c.487_490delGAGA variant, located in coding exon 5 of the FANCC gene, results from a deletion of 4 nucleotides at nucleotide positions 487 to 490, causing a translational frameshift with a predicted alternate stop codon (p.E163Ifs*30). This alteration was identified in 1/10030 consecutive patients referred for evaluation by an NGS hereditary cancer panel; this patient had ovarian cancer and RAD51C c.404+2C>T variant (Susswein LR et al. Genet. Med. 2016 08;18:823-32). In addition to the clinical data presented in the literature, this alteration is expected to result in loss of function by premature protein truncation or nonsense-mediated mRNA decay. As such, this alteration is interpreted as a disease-causing mutation.

Sema4
Classification: Likely pathogenic for Fanconi anemia. Last evaluated: 2021-08-11. Review status: criteria provided, single submitter. Criteria: Sema4 Curation Guidelines. Collection method: curation. Allele origin: germline.
Comment: The FANCC c.487_490delGAGA (p.E163Ifs*30) variant has been reported in heterozygosity in at least one individual with ovarian cancer (PMID: 26681312, 30322717). This variant causes a frameshift at amino acid 163 that results in premature termination 30 amino acids downstream. Based on the genomic location of the variant, this variant is predicted to cause nonsense-mediated decay. This variant was observed in 5/34566 chromosomes in the Latino population according to the Genome Aggregation Database (PMID: 32461654). This variant has been reported in ClinVar (Variation ID: 182465). Based on the current evidence available, this variant is interpreted as likely pathogenic.

Department of Pediatrics, Memorial Sloan Kettering Cancer Center
Classification: Pathogenic for Fanconi anemia complementation group C. Last evaluated: 2020-12-15. Review status: criteria provided, single submitter. Criteria: ACMG Guidelines, 2015. Collection method: research. Allele origin: germline. Affected: no.

Genetic Services Laboratory, University of Chicago
Classification: Likely pathogenic. Last evaluated: 2020-09-08. Review status: criteria provided, single submitter. Criteria: ACMG Guidelines, 2015. Collection method: clinical testing. Allele origin: germline. Affected: yes.
Comment: DNA sequence analysis of the FANCC gene demonstrated a 4 base pair deletion in exon 6, c.487_490del. This deletion results in an amino acid frameshift with a premature stop codon 29 amino acids downstream of the change, p.Glu163Ilefs*30. The p.Glu163Ilefs*30 change is predicted to result in an abnormal transcript, which may be degraded, or may lead to the production of a truncated FANCC protein with potentially abnormal function. This sequence change has been described in the gnomAD database in six individuals with an overall population frequency of 0.002% (dbSNP rs950623649). The p.Glu163Ilefs*30 change has previously been observed in the heterozygous state in one individual with ovarian cancer (PMID: 26681312). Loss of function variants are known to be pathogenic in the FANCC gene. These collective evidences suggest this sequence change is a likely pathogenic sequence change.

Leiden Open Variation Database
Classification: Pathogenic for Fanconi anemia complementation group C. Last evaluated: 2020-02-28. Review status: no assertion criteria provided. Collection method: curation. Allele origin: germline. Affected: yes. Not counted in ClinVar's aggregate classification.
Comment: Curator: Arleen D. Auerbach. Submitter to LOVD: Arleen D. Auerbach.

Counsyl
Classification: Likely pathogenic for Fanconi anemia complementation group C. Last evaluated: 2017-12-28. Review status: no assertion criteria provided. Collection method: clinical testing. Allele origin: unknown. Not counted in ClinVar's aggregate classification.

Literature cited by the submitters: PubMed 17924555 (cited by Labcorp Genetics (formerly Invitae), Labcorp); PubMed 26681312 (cited by 4 submitters); PubMed 34308366 (cited by Otogenetics); PubMed 29922827 (cited by Women's Health and Genetics/Laboratory Corporation of America, LabCorp); PubMed 30322717 (cited by Women's Health and Genetics/Laboratory Corporation of America, LabCorp and Sema4); PubMed 28873162 (cited by Department of Pediatrics, Memorial Sloan Kettering Cancer Center).